The following is an entry in ClinVar:

NM_007214.5(SEC63):c.*2086G>C

Gene: SEC63 (SEC63 homolog, protein translocation regulator; minus strand). Cytogenetic location: 6q21.
Variant type: single nucleotide variant.
Coding change: c.*2086G>C on transcript NM_007214.5 (MANE Select); 2086 bases downstream of the stop codon, G replaced by C.
Molecular consequence: 3 prime UTR variant.
Genome position (GRCh38, 1-based): chr6:107,869,618, C>G on the plus strand (G>C on the coding strand, the complement: SEC63 is on the minus strand). VCF-style: chr6-107869618-C-G. GRCh37 (hg19) VCF-style: chr6-108190822-C-G.
Identifiers: ClinVar variation 354851 (VCV000354851.5), dbSNP rs550478845, ClinGen allele CA10625580.

ClinVar aggregate classification (germline): Benign (1 of 4 stars; one submission).

Conditions:
Polycystic liver disease 2 (PCLD2). Also called: Polycystic liver disease 2 with or without kidney cysts. Identifiers: Orphanet 2924, MedGen C4310769, MONDO:0014860, OMIM 617004.

Allele frequency attached by ClinVar (database versions not stated): 1000 Genomes Project 0.00040; TOPMed 0.00045; 1000 Genomes Project 30x 0.00047; gnomAD 0.00034.
gnomAD v4.1: 52 of 152,246 alleles (0.034%); highest among the groups gnomAD compares: Non-Finnish European, 0.059%; no homozygotes.

Submission:

Illumina Laboratory Services, Illumina
Classification: Benign for Polycystic liver disease 2. Last evaluated: 2018-01-13. Review status: criteria provided, single submitter. Criteria: ICSL Variant Classification Criteria 13 December 2019. Collection method: clinical testing. Allele origin: germline.
Comment: This variant was observed in the ICSL laboratory as part of a predisposition screen in an ostensibly healthy population. It had not been previously curated by ICSL or reported in the Human Gene Mutation Database (HGMD: prior to June 1st, 2018), and was therefore a candidate for classification through an automated scoring system. Utilizing variant allele frequency, disease prevalence and penetrance estimates, and inheritance mode, an automated score was calculated to assess if this variant is too frequent to cause the disease. Based on the score and internal cut-off values, a variant classified as benign is not then subjected to further curation. The score for this variant resulted in a classification of benign for this disease.